The following is an entry in ClinVar:

NM_012082.4(ZFPM2):c.1818_1820del (p.Leu607del)

Genes: ZFPM2 (zinc finger protein, FOG family member 2; plus strand), ZFPM2-AS1 (ZFPM2 antisense RNA 1; minus strand). Cytogenetic location: 8q23.1.
Variant type: Deletion.
Coding change: c.1818_1820del on transcript NM_012082.4 (MANE Select); coding-DNA positions 1818 to 1820, 3 bases deleted (TCT; older notation c.1818_1820delTCT).
Protein change: p.Leu607del; deletes leucine 607.
Molecular consequence: inframe deletion.
Genome position (GRCh38, 1-based): chr8:105,801,900-105,801,902, TCT deleted; deleting any 3 consecutive bases within chr8:105,801,898-105,801,902 gives the same sequence; the c. name uses the placement nearest the transcript's 3' end. VCF-style (leftmost placement, unchanged base first): chr8-105801897-CCTT-C. GRCh37 (hg19) VCF-style: chr8-106814125-CCTT-C.
Other names: c.1659_1661del, p.Leu554del (NM_001362836.2); c.1422_1424del, p.Leu475del (NM_001362837.2); short protein forms L475del, L554del, L607del.
Identifiers: ClinVar variation 805894 (VCV000805894.5), dbSNP rs763555819, ClinGen allele CA4839812.

ClinVar aggregate classification (germline): Uncertain significance. Review status: criteria provided, single submitter (1 of 4 stars). 2 submissions from 2 submitters: Uncertain significance (1). 1 of the submissions does not count toward it. Last evaluated 2023-11-29.

Conditions:
46,XY sex reversal 3. Also called: 46,XY SEX REVERSAL, PARTIAL OR COMPLETE, NR5A1-RELATED; SEX REVERSAL, XY, WITH OR WITHOUT ADRENAL FAILURE; 46,XY GONADAL DYSGENESIS, PARTIAL OR COMPLETE, WITH OR WITHOUT ADRENAL FAILURE; DISORDER OF SEX DEVELOPMENT, 46,XY, NR5A1-RELATED; NR5A1-related 46,XY complete gonadal dysgenesis. Identifiers: MedGen C3489793, MONDO:0013066, OMIM 612965.
46,XY sex reversal 9 (SRXY9). Also called: 46,XY SEX REVERSAL, ZFPM2-RELATED. Identifiers: Orphanet 251510, MedGen C4015129, MONDO:0014480, OMIM 616067.

Submissions (2):

Labcorp Genetics (formerly Invitae), Labcorp
Classification: Uncertain significance for 46,XY sex reversal 9. Last evaluated: 2023-11-29. Review status: criteria provided, single submitter. Criteria: Invitae Variant Classification Sherloc (09022015). Collection method: clinical testing. Allele origin: germline.
Comment: This variant, c.1818_1820del, results in the deletion of 1 amino acid(s) of the ZFPM2 protein (p.Leu607del), but otherwise preserves the integrity of the reading frame. This variant is present in population databases (rs763555819, gnomAD 0.004%). This variant has been observed in individual(s) with disorders of sex development (PMID: 27899157). This variant is also known as c.1816_1818del (p.L606del). ClinVar contains an entry for this variant (Variation ID: 805894). Algorithms developed to predict the effect of variants on protein structure and function are not available or were not evaluated for this variant. Experimental studies have shown that this variant does not substantially affect ZFPM2 function (PMID: 31962012). In summary, the available evidence is currently insufficient to determine the role of this variant in disease. Therefore, it has been classified as a Variant of Uncertain Significance.

Reproductive Development, Murdoch Childrens Research Institute
Classification: Benign for 46,XY disorder of sex development. Last evaluated: 2019-08-26. Review status: no assertion criteria provided. Collection method: research. Allele origin: germline. Affected: yes. Not counted in ClinVar's aggregate classification.

Literature cited by the submitters: PubMed 27899157 (cited by Labcorp Genetics (formerly Invitae), Labcorp); PubMed 31962012 (cited by Labcorp Genetics (formerly Invitae), Labcorp).